The following is an entry in ClinVar:

ClinVar aggregate classification (germline): Uncertain significance (1 of 4 stars; one submission).

Allele frequency attached by ClinVar (database versions not stated): TOPMed below 0.00001; ExAC 0.00001; gnomAD exomes 0.00001.
gnomAD v4.1: 3 of 1,613,978 alleles (0.00019%); highest among the groups gnomAD compares: Non-Finnish European, 0.00025%; no homozygotes.

Submission:

Labcorp Genetics (formerly Invitae), Labcorp
Classification: Uncertain significance. Last evaluated: 2022-05-25. Review status: criteria provided, single submitter. Criteria: Invitae Variant Classification Sherloc (09022015). Collection method: clinical testing. Allele origin: germline.
Comment: In summary, the available evidence is currently insufficient to determine the role of this variant in disease. Therefore, it has been classified as a Variant of Uncertain Significance. Algorithms developed to predict the effect of missense changes on protein structure and function (SIFT, PolyPhen-2, Align-GVGD) all suggest that this variant is likely to be disruptive. This variant has not been reported in the literature in individuals affected with MYH3-related conditions. This variant is present in population databases (rs766009153, gnomAD 0.0009%). This sequence change replaces lysine, which is basic and polar, with arginine, which is basic and polar, at codon 641 of the MYH3 protein (p.Lys641Arg).

NM_002470.4(MYH3):c.1922A>G (p.Lys641Arg)

Gene: MYH3 (myosin heavy chain 3; minus strand). Cytogenetic location: 17p13.1.
Variant type: single nucleotide variant.
Coding change: c.1922A>G on transcript NM_002470.4 (MANE Select); coding-DNA position 1922, A replaced by G.
Protein change: p.Lys641Arg; replaces lysine 641 with arginine.
Molecular consequence: missense variant.
Genome position (GRCh38, 1-based): chr17:10,642,277, T>C on the plus strand (A>G on the coding strand, the complement: MYH3 is on the minus strand). VCF-style: chr17-10642277-T-C. GRCh37 (hg19) VCF-style: chr17-10545594-T-C.
Other names: short protein forms K641R.
Identifiers: ClinVar variation 1998592 (VCV001998592.4), dbSNP rs766009153, ClinGen allele CA8392896.